The following is an entry in ClinVar:

ClinVar aggregate classification (germline): Uncertain significance. Review status: criteria provided, multiple submitters, no conflicts (2 of 4 stars). 2 submissions from 2 submitters: Uncertain significance (2). Last evaluated 2025-10-03.

Conditions:
Inborn genetic diseases. Identifiers: MedGen C0950123, MeSH D030342.
Severe combined immunodeficiency due to DCLRE1C deficiency (RS-SCID). Also called: SCID, AUTOSOMAL RECESSIVE, T CELL-NEGATIVE, B CELL-NEGATIVE, NK CELL-POSITIVE, WITH SENSITIVITY TO IONIZING RADIATION. Identifiers: Orphanet 275, MedGen C1865371, MONDO:0011225, OMIM 602450.

Allele frequency attached by ClinVar (database versions not stated): ExAC 0.00004; gnomAD exomes 0.00003 and 0.00006; TOPMed 0.00004; gnomAD 0.00005 and 0.00004.
gnomAD v4.1: 91 of 1,613,984 alleles (0.0056%); highest among the groups gnomAD compares: Non-Finnish European, 0.0072%; no homozygotes.

Submissions (2):

Ambry Genetics
Classification: Uncertain significance for Inborn genetic diseases. Last evaluated: 2025-10-03. Review status: criteria provided, single submitter. Criteria: Ambry Variant Classification Scheme 2023. Collection method: clinical testing. Allele origin: germline.

Labcorp Genetics (formerly Invitae), Labcorp
Classification: Uncertain significance for Athabaskan severe combined immunodeficiency. Last evaluated: 2024-08-09. Review status: criteria provided, single submitter. Criteria: Invitae Variant Classification Sherloc (09022015). Collection method: clinical testing. Allele origin: germline.
Comment: This sequence change replaces arginine, which is basic and polar, with cysteine, which is neutral and slightly polar, at codon 249 of the DCLRE1C protein (p.Arg249Cys). This variant is present in population databases (rs757474059, gnomAD 0.005%). This variant has not been reported in the literature in individuals affected with DCLRE1C-related conditions. ClinVar contains an entry for this variant (Variation ID: 1407581). Advanced modeling of protein sequence and biophysical properties (such as structural, functional, and spatial information, amino acid conservation, physicochemical variation, residue mobility, and thermodynamic stability) performed at Invitae indicates that this missense variant is not expected to disrupt DCLRE1C protein function with a negative predictive value of 80%. In summary, the available evidence is currently insufficient to determine the role of this variant in disease. Therefore, it has been classified as a Variant of Uncertain Significance.

NM_001033855.3(DCLRE1C):c.745C>T (p.Arg249Cys)

Gene: DCLRE1C (DNA cross-link repair 1C; minus strand). Cytogenetic location: 10p13.
Variant type: single nucleotide variant.
Coding change: c.745C>T on transcript NM_001033855.3 (MANE Select); coding-DNA position 745, C replaced by T.
Protein change: p.Arg249Cys; replaces arginine 249 with cysteine.
Molecular consequence: missense variant. On other transcripts: non-coding transcript variant (4).
Genome position (GRCh38, 1-based): chr10:14,932,889, G>A on the plus strand (C>T on the coding strand, the complement: DCLRE1C is on the minus strand). VCF-style: chr10-14932889-G-A. GRCh37 (hg19) VCF-style: chr10-14974888-G-A.
Other names: c.385C>T, p.Arg129Cys (NM_001033857.3, NM_001033858.3, NM_001289077.2 and 2 more transcripts); c.400C>T, p.Arg134Cys (NM_001289076.2, NM_001289078.2, NM_001350966.2 and 1 more transcripts); c.745C>T, p.Arg249Cys (NM_001350965.2); c.745C>T (NM_001033855.1); short protein forms R129C, R249C, R134C.
Identifiers: ClinVar variation 1407581 (VCV001407581.7), dbSNP rs757474059, ClinGen allele CA5416701.